The following is an entry in ClinVar:

ClinVar aggregate classification (germline): Uncertain significance (1 of 4 stars; one submission).

gnomAD v4.1: 1 of 1,600,700 alleles (0.000062%); highest among the groups gnomAD compares: Non-Finnish European, 0.000085%; no homozygotes.

Submission:

Labcorp Genetics (formerly Invitae), Labcorp
Classification: Uncertain significance. Last evaluated: 2021-09-25. Review status: criteria provided, single submitter. Criteria: Invitae Variant Classification Sherloc (09022015). Collection method: clinical testing. Allele origin: germline.
Comment: This sequence change replaces threonine with serine at codon 51 of the ASAH1 protein (p.Thr51Ser). The threonine residue is highly conserved and there is a small physicochemical difference between threonine and serine. This variant is not present in population databases (ExAC no frequency). This variant has not been reported in the literature in individuals affected with ASAH1-related conditions. Algorithms developed to predict the effect of missense changes on protein structure and function (SIFT, PolyPhen-2, Align-GVGD) all suggest that this variant is likely to be tolerated. In summary, the available evidence is currently insufficient to determine the role of this variant in disease. Therefore, it has been classified as a Variant of Uncertain Significance.

NM_177924.5(ASAH1):c.152C>G (p.Thr51Ser)

Gene: ASAH1 (N-acylsphingosine amidohydrolase 1; minus strand). Cytogenetic location: 8p22.
Variant type: single nucleotide variant.
Coding change: c.152C>G on transcript NM_177924.5 (MANE Select); coding-DNA position 152, C replaced by G.
Protein change: p.Thr51Ser; replaces threonine 51 with serine.
Molecular consequence: missense variant. On other transcripts: 5 prime UTR variant (1).
Genome position (GRCh38, 1-based): chr8:18,071,364, G>C on the plus strand (C>G on the coding strand, the complement: ASAH1 is on the minus strand). VCF-style: chr8-18071364-G-C. GRCh37 (hg19) VCF-style: chr8-17928873-G-C.
Other names: c.221C>G, p.Thr74Ser (NM_001127505.3); c.-44C>G (NM_001363743.2); c.200C>G, p.Thr67Ser (NM_004315.6); short protein forms T51S, T74S, T67S.
Identifiers: ClinVar variation 1400215 (VCV001400215.3), dbSNP rs756286381, ClinGen allele CA370434035.